The following is an entry in ClinVar:

ClinVar aggregate classification (germline): Uncertain significance (1 of 4 stars; one submission).

Conditions:
Neonatal-onset encephalopathy with rigidity and seizures. Also called: Lethal neonatal spasticity-epileptic encephalopathy syndrome. Identifiers: Orphanet 435845, MedGen C3281029, MONDO:0013784, OMIM 614498.

Allele frequency attached by ClinVar (database versions not stated): gnomAD exomes below 0.00001.
gnomAD v4.1: 3 of 1,579,474 alleles (0.00019%); highest among the groups gnomAD compares: African/African-American, 0.0014%; no homozygotes.

Submission:

Labcorp Genetics (formerly Invitae), Labcorp
Classification: Uncertain significance for Neonatal-onset encephalopathy with rigidity and seizures. Last evaluated: 2022-07-01. Review status: criteria provided, single submitter. Criteria: Invitae Variant Classification Sherloc (09022015). Collection method: clinical testing. Allele origin: germline.
Comment: This sequence change replaces phenylalanine, which is neutral and non-polar, with leucine, which is neutral and non-polar, at codon 471 of the BRAT1 protein (p.Phe471Leu). This variant is not present in population databases (gnomAD no frequency). This variant has not been reported in the literature in individuals affected with BRAT1-related conditions. Algorithms developed to predict the effect of missense changes on protein structure and function (SIFT, PolyPhen-2, Align-GVGD) all suggest that this variant is likely to be tolerated. In summary, the available evidence is currently insufficient to determine the role of this variant in disease. Therefore, it has been classified as a Variant of Uncertain Significance.

NM_152743.4(BRAT1):c.1413C>A (p.Phe471Leu)

Gene: BRAT1 (BRCA1 associated ATM activator 1; minus strand). Cytogenetic location: 7p22.3.
Variant type: single nucleotide variant.
Coding change: c.1413C>A on transcript NM_152743.4 (MANE Select); coding-DNA position 1413, C replaced by A.
Protein change: p.Phe471Leu; replaces phenylalanine 471 with leucine.
Molecular consequence: missense variant. On other transcripts: non-coding transcript variant (1).
Genome position (GRCh38, 1-based): chr7:2,539,871, G>T on the plus strand (C>A on the coding strand, the complement: BRAT1 is on the minus strand). VCF-style: chr7-2539871-G-T. GRCh37 (hg19) VCF-style: chr7-2579505-G-T.
Other names: c.1413C>A, p.Phe471Leu (NM_001350626.2); c.888C>A, p.Phe296Leu (NM_001350627.2); short protein forms F296L, F471L.
Identifiers: ClinVar variation 2141247 (VCV002141247.1), dbSNP rs1366764441, ClinGen allele CA366628384.